The following is an entry in ClinVar:

NM_024426.6(WT1):c.677C>T (p.Thr226Ile)

Gene: WT1 (WT1 transcription factor; minus strand). Cytogenetic location: 11p13.
Variant type: single nucleotide variant.
Coding change: c.677C>T on transcript NM_024426.6 (MANE Select); coding-DNA position 677, C replaced by T.
Protein change: p.Thr226Ile; replaces threonine 226 with isoleucine.
Molecular consequence: missense variant. On other transcripts: non-coding transcript variant (1).
Genome position (GRCh38, 1-based): chr11:32,428,604, G>A on the plus strand (C>T on the coding strand, the complement: WT1 is on the minus strand). VCF-style: chr11-32428604-G-A. GRCh37 (hg19) VCF-style: chr11-32450150-G-A.
Other names: c.677C>T, p.Thr226Ile (NM_000378.6, NM_001407044.1, NM_001407045.1 and 4 more transcripts); c.26C>T, p.Thr9Ile (NM_001198551.2, NM_001198552.2); c.-86C>T (NM_001407051.1); c.662C>T, p.Thr221Ile (NM_024425.2); short protein forms T226I, T9I, T221I.
Identifiers: ClinVar variation 657483 (VCV000657483.11), dbSNP rs556804456, ClinGen allele CA065454.

ClinVar aggregate classification (germline): Uncertain significance. Review status: criteria provided, multiple submitters, no conflicts (2 of 4 stars). 2 submissions from 2 submitters: Uncertain significance (2). Last evaluated 2023-06-08.

Conditions:
Frasier syndrome. Identifiers: Orphanet 347, MedGen C0950122, MeSH D052159, MONDO:0007635, OMIM 136680.
Drash syndrome (DDS). Also called: NEPHROPATHY, WILMS TUMOR, AND GENITAL ANOMALIES; WILMS TUMOR AND PSEUDO- OR TRUE HERMAPHRODITISM. Identifiers: Orphanet 220, MedGen C0950121, MONDO:0008682, OMIM 194080.
Wilms tumor 1 (WT1). Also called: Wilms tumor, somatic. Identifiers: Orphanet 654, MedGen CN033288, MONDO:0008679, OMIM 194070.
11p partial monosomy syndrome (WAGR). Also called: WAGR Spectrum Disorder; WAGR Complex; WAGR syndrome; CHROMOSOME 11p13 DELETION SYNDROME. Identifiers: Orphanet 893, MedGen C0206115, MONDO:0008681, OMIM 194072.

gnomAD v4.1: 2 of 1,613,672 alleles (0.00012%); highest among the groups gnomAD compares: South Asian, 0.0011%; no homozygotes.

Submissions (2):

All of Us Research Program, National Institutes of Health
Classification: Uncertain significance for Wilms tumor 1. Last evaluated: 2023-06-08. Review status: criteria provided, single submitter. Criteria: ACMG Guidelines, 2015. Collection method: clinical testing. Allele origin: germline. Inheritance: Autosomal dominant inheritance. Observed: 1 variant allele, 1 heterozygote.
Comment: This missense variant replaces threonine with isoleucine at codon 221 of the WT1 protein. Computational prediction suggests that this variant may not impact protein structure and function (internally defined REVEL score threshold <= 0.5, PMID: 27666373). To our knowledge, functional studies have not been reported for this variant. This variant has not been reported in individuals affected with WT1-related disorders in the literature. This variant has been identified in 1/250298 chromosomes in the general population by the Genome Aggregation Database (gnomAD). The available evidence is insufficient to determine the role of this variant in disease conclusively. Therefore, this variant is classified as a Variant of Uncertain Significance.

This study involves interpretation of variants in research participants for the purpose of population health screening. Participant phenotype was not available at the time of variant classification. Additional details can be found in publication PMID: 35346344, PMCID: PMC8962531

Labcorp Genetics (formerly Invitae), Labcorp
Classification: Uncertain significance for Wilms tumor 1; Drash syndrome; 11p partial monosomy syndrome; Frasier syndrome. Last evaluated: 2018-08-15. Review status: criteria provided, single submitter. Criteria: Invitae Variant Classification Sherloc (09022015). Collection method: clinical testing. Allele origin: germline.
Comment: In summary, the available evidence is currently insufficient to determine the role of this variant in disease. Therefore, it has been classified as a Variant of Uncertain Significance. This sequence change replaces threonine with isoleucine at codon 221 of the WT1 protein (p.Thr221Ile). The threonine residue is highly conserved and there is a moderate physicochemical difference between threonine and isoleucine. This variant is present in population databases (rs556804456, ExAC 0.006%). This variant has not been reported in the literature in individuals with WT1-related disease. Algorithms developed to predict the effect of missense changes on protein structure and function are either unavailable or do not agree on the potential impact of this missense change (SIFT: "Deleterious"; PolyPhen-2: "Benign"; Align-GVGD: "Class C15").